The following is an entry in ClinVar:

ClinVar aggregate classification (germline): Benign. Review status: criteria provided, multiple submitters, no conflicts (2 of 4 stars). 2 submissions from 2 submitters: Benign (2). Last evaluated 2018-06-14.

Allele frequency attached by ClinVar (database versions not stated): 1000 Genomes Project 0.22724; 1000 Genomes Project 30x 0.23517; ESP Exome Variant Server 0.26130; ExAC 0.26839; TOPMed 0.27606.
gnomAD v4.1: 362,473 of 1,377,184 alleles (26%); highest among the groups gnomAD compares: African/African-American, 34%; 50,026 homozygotes.

Submissions (2):

GeneDx
Classification: Benign. Last evaluated: 2018-06-14. Review status: criteria provided, single submitter. Criteria: GeneDx Variant Classification (06012015). Collection method: clinical testing. Allele origin: germline. Affected: yes.
Comment: This variant is considered likely benign or benign based on one or more of the following criteria: it is a conservative change, it occurs at a poorly conserved position in the protein, it is predicted to be benign by multiple in silico algorithms, and/or has population frequency not consistent with disease.

Breakthrough Genomics
Classification: Benign. Review status: criteria provided, single submitter. Criteria: ACMG Guidelines, 2015. Collection method: not provided. Allele origin: germline. Inheritance: Autosomal recessive inheritance. Affected: yes.

NM_001244008.2(KIF1A):c.3749+42C>G

Gene: KIF1A (kinesin family member 1A; minus strand). Cytogenetic location: 2q37.3.
Variant type: single nucleotide variant.
Coding change: c.3749+42C>G on transcript NM_001244008.2 (MANE Select); 42 bases into the intron after coding-DNA position 3749, C replaced by G.
Molecular consequence: intron variant.
Genome position (GRCh38, 1-based): chr2:240,741,227, G>C on the plus strand (C>G on the coding strand, the complement: KIF1A is on the minus strand). VCF-style: chr2-240741227-G-C. GRCh37 (hg19) VCF-style: chr2-241680644-G-C.
Other names: c.3446+42C>G (NM_001379653.1, NM_001379650.1, NM_001379641.1 and 5 more transcripts); c.3722+42C>G (NM_001379645.1, NM_001379633.1, NM_001379642.1); c.3548+42C>G (NM_001379635.1, NM_001330290.2, NM_001379646.1 and 1 more transcripts); c.3443+42C>G (NM_001379640.1); c.3698+42C>G (NM_001379632.1); c.3521+42C>G (NM_001379637.1, NM_001379648.1); c.3473+42C>G (NM_001320705.2, NM_001379638.1, NM_001330289.2); c.3824+42C>G (NM_001379631.1).
Identifiers: ClinVar variation 674046 (VCV000674046.2), dbSNP rs1013225, ClinGen allele CA2207681.